The following is an entry in ClinVar:

ClinVar aggregate classification (germline): Uncertain significance. Review status: criteria provided, multiple submitters, no conflicts (2 of 4 stars). 2 submissions from 2 submitters: Uncertain significance (2). Last evaluated 2025-01-20.

Conditions:
Inborn genetic diseases. Identifiers: MedGen C0950123, MeSH D030342.

Allele frequency attached by ClinVar (database versions not stated): gnomAD exomes 0.00001; ExAC 0.00002; gnomAD 0.00003.
gnomAD v4.1: 23 of 1,613,576 alleles (0.0014%); highest among the groups gnomAD compares: African/African-American, 0.0027%; no homozygotes.

Submissions (2):

Ambry Genetics
Classification: Uncertain significance for Inborn genetic diseases. Last evaluated: 2025-01-20. Review status: criteria provided, single submitter. Criteria: Ambry Variant Classification Scheme 2023. Collection method: clinical testing. Allele origin: germline.

Labcorp Genetics (formerly Invitae), Labcorp
Classification: Uncertain significance. Last evaluated: 2022-07-26. Review status: criteria provided, single submitter. Criteria: Invitae Variant Classification Sherloc (09022015). Collection method: clinical testing. Allele origin: germline.
Comment: This sequence change replaces cysteine, which is neutral and slightly polar, with tyrosine, which is neutral and polar, at codon 1142 of the PCDH12 protein (p.Cys1142Tyr). This variant is present in population databases (rs751641087, gnomAD 0.008%). This variant has not been reported in the literature in individuals affected with PCDH12-related conditions. ClinVar contains an entry for this variant (Variation ID: 1498530). Advanced modeling of protein sequence and biophysical properties (such as structural, functional, and spatial information, amino acid conservation, physicochemical variation, residue mobility, and thermodynamic stability) performed at Invitae indicates that this missense variant is not expected to disrupt PCDH12 protein function. In summary, the available evidence is currently insufficient to determine the role of this variant in disease. Therefore, it has been classified as a Variant of Uncertain Significance.

NM_016580.4(PCDH12):c.3425G>A (p.Cys1142Tyr)

Gene: PCDH12 (protocadherin 12; minus strand). Cytogenetic location: 5q31.3.
Variant type: single nucleotide variant.
Coding change: c.3425G>A on transcript NM_016580.4 (MANE Select); coding-DNA position 3425, G replaced by A.
Protein change: p.Cys1142Tyr; replaces cysteine 1142 with tyrosine.
Molecular consequence: missense variant.
Genome position (GRCh38, 1-based): chr5:141,945,511, C>T on the plus strand (G>A on the coding strand, the complement: PCDH12 is on the minus strand). VCF-style: chr5-141945511-C-T. GRCh37 (hg19) VCF-style: chr5-141325076-C-T.
Other names: c.3425G>A (NM_016580.2); short protein forms C1142Y.
Identifiers: ClinVar variation 1498530 (VCV001498530.9), dbSNP rs751641087, ClinGen allele CA3483957.